The following is an entry in ClinVar:

NM_006949.4(STXBP2):c.574C>T (p.Arg192Cys)

Gene: STXBP2 (syntaxin binding protein 2; plus strand). Cytogenetic location: 19p13.2.
Variant type: single nucleotide variant.
Coding change: c.574C>T on transcript NM_006949.4 (MANE Select); coding-DNA position 574, C replaced by T.
Protein change: p.Arg192Cys; replaces arginine 192 with cysteine.
Molecular consequence: missense variant. On other transcripts: non-coding transcript variant (1).
Genome position (GRCh38, 1-based): chr19:7,641,849, C>T. VCF-style: chr19-7641849-C-T. GRCh37 (hg19) VCF-style: chr19-7706735-C-T.
Other names: c.565C>T, p.Arg189Cys (NM_001127396.3); c.607C>T, p.Arg203Cys (NM_001272034.2); short protein forms R203C, R192C, R189C.
Identifiers: ClinVar variation 1421891 (VCV001421891.6), dbSNP rs571713524, ClinGen allele CA304906997.
Genomic context (GRCh38, chr19:7,641,849, plus strand): 5'-CTGGCCCAGCAGATTGCCACGCTGTGCGCCACCCTGCAGGAGTACCCGGCCATCCGCTAC[C>T]GCAAGTGGGGACCCCACCCAGCCCCACCCCGATGCCGACCCCCCCTTAACCGCGTGCAAC-3'
Protein context (NP_008880.2, residues 182-202): TLQEYPAIRY[Arg192Cys]KGPEDTAQLA

ClinVar aggregate classification (germline): Uncertain significance (1 of 4 stars; one submission).

Conditions:
Familial hemophagocytic lymphohistiocytosis 5. Also called: STXBP2-Related Familial Hemophagocytic Lymphohistiocytosis (STXBP2-fHLH). Identifiers: Orphanet 540, MedGen C2751293, MONDO:0013135, OMIM 613101.

Allele frequency attached by ClinVar (database versions not stated): gnomAD 0.00001; gnomAD exomes 0.00001; TOPMed 0.00003; 1000 Genomes Project 0.00020; 1000 Genomes Project 30x 0.00031.
gnomAD v4.1: 15 of 1,556,048 alleles (0.00096%); highest among the groups gnomAD compares: African/African-American, 0.0041%; no homozygotes.

Submission:

Labcorp Genetics (formerly Invitae), Labcorp
Classification: Uncertain significance for Familial hemophagocytic lymphohistiocytosis 5. Last evaluated: 2024-11-05. Review status: criteria provided, single submitter. Criteria: Invitae Variant Classification Sherloc (09022015). Collection method: clinical testing. Allele origin: germline.
Comment: This sequence change replaces arginine, which is basic and polar, with cysteine, which is neutral and slightly polar, at codon 192 of the STXBP2 protein (p.Arg192Cys). This variant is present in population databases (rs571713524, gnomAD 0.03%). This variant has not been reported in the literature in individuals affected with STXBP2-related conditions. ClinVar contains an entry for this variant (Variation ID: 1421891). Invitae Evidence Modeling of protein sequence and biophysical properties (such as structural, functional, and spatial information, amino acid conservation, physicochemical variation, residue mobility, and thermodynamic stability) indicates that this missense variant is expected to disrupt STXBP2 protein function with a positive predictive value of 95%. In summary, the available evidence is currently insufficient to determine the role of this variant in disease. Therefore, it has been classified as a Variant of Uncertain Significance.